The following is an entry in ClinVar:

ClinVar aggregate classification (germline): Benign (1 of 4 stars; one submission).

gnomAD v4.1: 8,151 of 1,282,210 alleles (0.64%); highest among the groups gnomAD compares: African/African-American, 1.4%; 31 homozygotes.

Submission:

CeGaT Center for Human Genetics Tuebingen
Classification: Benign. Last evaluated: 2026-08-01. Review status: criteria provided, single submitter. Criteria: CeGaT Center For Human Genetics Tuebingen Variant Classification Criteria Version 2. Collection method: clinical testing. Allele origin: germline. Affected: yes. Observed: 5 variant alleles.
Comment: EXTL3: BS1, BS2

NM_001440.4(EXTL3):c.2550+106A>G

Gene: EXTL3 (exostosin like glycosyltransferase 3; plus strand). Cytogenetic location: 8p21.1.
Variant type: single nucleotide variant.
Coding change: c.2550+106A>G on transcript NM_001440.4 (MANE Select); 106 bases into the intron after coding-DNA position 2550, A replaced by G.
Molecular consequence: intron variant.
Genome position (GRCh38, 1-based): chr8:28,743,320, A>G. VCF-style: chr8-28743320-A-G. GRCh37 (hg19) VCF-style: chr8-28600837-A-G.
Identifiers: ClinVar variation 3770547 (VCV003770547.13).